The following is an entry in ClinVar:

NM_032861.4(SERAC1):c.1181C>A (p.Ala394Glu)

Gene: SERAC1 (serine active site containing 1; minus strand). Cytogenetic location: 6q25.3.
Variant type: single nucleotide variant.
Coding change: c.1181C>A on transcript NM_032861.4 (MANE Select); coding-DNA position 1181, C replaced by A.
Protein change: p.Ala394Glu; replaces alanine 394 with glutamic acid.
Molecular consequence: missense variant. On other transcripts: non-coding transcript variant (1).
Genome position (GRCh38, 1-based): chr6:158,119,156, G>T on the plus strand (C>A on the coding strand, the complement: SERAC1 is on the minus strand). VCF-style: chr6-158119156-G-T. GRCh37 (hg19) VCF-style: chr6-158540188-G-T.
Other names: short protein forms A394E.
Identifiers: ClinVar variation 3390382 (VCV003390382.2).

ClinVar aggregate classification (germline): Conflicting classifications of pathogenicity. Review status: criteria provided, conflicting classifications (1 of 4 stars). 2 submissions from 2 submitters: Likely pathogenic (1); Uncertain significance (1). Last evaluated 2024-06-12.

Conditions:
3-methylglutaconic aciduria with deafness, encephalopathy, and Leigh-like syndrome (MEGDEL). Also called: MEGDEL syndrome; SERAC1 Deficiency; 3-METHYLGLUTACONIC ACIDURIA, TYPE VI. Identifiers: Orphanet 352328, MedGen C4040739, MONDO:0013875, OMIM 614739.

Submissions (2):

GeneDx
Classification: Uncertain significance. Last evaluated: 2024-06-12. Review status: criteria provided, single submitter. Criteria: GeneDx Variant Classification Process June 2021. Collection method: clinical testing. Allele origin: germline. Affected: yes.
Comment: Not observed at significant frequency in large population cohorts (gnomAD); In silico analysis supports that this missense variant has a deleterious effect on protein structure/function; Has not been previously published as pathogenic or benign to our knowledge; In silico analysis is inconclusive as to whether the variant alters gene splicing. In the absence of RNA/functional studies, the actual effect of this sequence change is unknown.

Fulgent Genetics
Classification: Likely pathogenic for 3-methylglutaconic aciduria with deafness, encephalopathy, and Leigh-like syndrome. Last evaluated: 2024-04-16. Review status: criteria provided, single submitter. Criteria: ACMG Guidelines, 2015. Collection method: clinical testing. Allele origin: germline.